The following is an entry in ClinVar:

NM_017780.4(CHD7):c.131A>G (p.Asp44Gly)

Gene: CHD7 (chromodomain helicase DNA binding protein 7; plus strand). Cytogenetic location: 8q12.2.
Variant type: single nucleotide variant.
Coding change: c.131A>G on transcript NM_017780.4 (MANE Select); coding-DNA position 131, A replaced by G.
Protein change: p.Asp44Gly; replaces aspartic acid 44 with glycine.
Molecular consequence: missense variant.
Genome position (GRCh38, 1-based): chr8:60,741,563, A>G. VCF-style: chr8-60741563-A-G. GRCh37 (hg19) VCF-style: chr8-61654122-A-G.
Other names: c.131A>G, p.Asp44Gly (NM_001316690.1); short protein forms D44G.
Identifiers: ClinVar variation 4872705 (VCV004872705.2).
Genomic context (GRCh38, chr8:60,741,563, plus strand): 5'-TCGGAGAATGTGGTTACCCGGAAAATCCAGTAAATCCTATGGGTCAGCAAATGCCAATAG[A>G]CCAAGGCTTTGCCTCTTTACAGCCATCCCTTCATCATCCTTCAACTAATCAAAATCAAAC-3'
Protein context (NP_060250.2, residues 34-54): VNPMGQQMPI[Asp44Gly]QGFASLQPSL

ClinVar aggregate classification (germline): Uncertain significance (1 of 4 stars; one submission).

Submission:

CeGaT Center for Human Genetics Tuebingen
Classification: Uncertain significance. Last evaluated: 2026-04-01. Review status: criteria provided, single submitter. Criteria: CeGaT Center For Human Genetics Tuebingen Variant Classification Criteria Version 2. Collection method: clinical testing. Allele origin: germline. Affected: yes. Observed: 1 variant allele.
Comment: CHD7: PM2, BP4